The following is an entry in ClinVar:

ClinVar aggregate classification (germline): Pathogenic (3 of 4 stars; one submission).

Conditions:
Lynch syndrome. Identifiers: Orphanet 144, MedGen C4552100, MONDO:0005835. Disease mechanism: loss of function.

Submission:

International Society for Gastrointestinal Hereditary Tumours (InSiGHT)
Classification: Pathogenic for Lynch Syndrome. Last evaluated: 2013-09-05. Review status: reviewed by expert panel. Criteria: Guidelines v1.9. Collection method: research. Allele origin: germline.
Comment: Coding sequence variation resulting in a stop codon

Classified with v1.9 guidelines

NM_000179.3(MSH6):c.2672_2674delinsC (p.Ile891fs)

Gene: MSH6 (mutS homolog 6; plus strand). Cytogenetic location: 2p16.3.
Variant type: Indel.
Coding change: c.2672_2674delinsC on transcript NM_000179.3 (MANE Select); coding-DNA positions 2672 to 2674, TCT replaced by C.
Protein change: p.Ile891fs; shifts the reading frame from isoleucine 891.
Molecular consequence: frameshift variant.
Genome position (GRCh38, 1-based): chr2:47,800,655-47,800,657, TCT replaced by C. VCF-style: chr2-47800655-TCT-C. GRCh37 (hg19) VCF-style: chr2-48027794-TCT-C.
Other names: c.2282_2284delinsC, p.Ile761fs (NM_001281492.2); c.1766_1768delinsC, p.Ile589fs (NM_001281493.2, NM_001281494.2); short protein forms I761fs, I589fs, I891fs.
Identifiers: ClinVar variation 89308 (VCV000089308.2), dbSNP rs587779244, ClinGen allele CA010723.